The following is an entry in ClinVar:

ClinVar aggregate classification (germline): Conflicting classifications of pathogenicity. Review status: criteria provided, conflicting classifications (1 of 4 stars). 7 submissions from 7 submitters: Uncertain significance (1); Benign (2); Likely benign (4). Last evaluated 2026-08-01.

Conditions:
Hereditary spherocytosis type 1. Also called: Spherocytosis type 1; ANK1-Related Spherocytosis. Identifiers: Orphanet 822, MedGen C2674218, MONDO:0008447, OMIM 182900.

Allele frequency attached by ClinVar (database versions not stated): 1000 Genomes Project 0.00300; 1000 Genomes Project 30x 0.00312; TOPMed 0.00502; ESP Exome Variant Server 0.00661; gnomAD 0.00797 and 0.00849; ExAC 0.00821; gnomAD exomes 0.00891.
gnomAD v4.1: 15,045 of 1,613,130 alleles (0.93%); highest among the groups gnomAD compares: Non-Finnish European, 0.98%; 117 homozygotes.

Submissions (7):

CeGaT Center for Human Genetics Tuebingen
Classification: Likely benign. Last evaluated: 2026-08-01. Review status: criteria provided, single submitter. Criteria: CeGaT Center For Human Genetics Tuebingen Variant Classification Criteria Version 2. Collection method: clinical testing. Allele origin: germline. Affected: yes. Observed: 13 variant alleles.
Comment: ANK1: BS2

Mayo Clinic Laboratories, Mayo Clinic
Classification: Uncertain significance. Last evaluated: 2025-11-07. Review status: criteria provided, single submitter. Criteria: ACMG Guidelines, 2015. Collection method: clinical testing. Allele origin: germline. Observed: 29 variant alleles.
Comment: BS1, BP4, BP7

Blueprint Genetics
Classification: Likely benign. Last evaluated: 2024-11-26. Review status: criteria provided, single submitter. Criteria: ACMG Guidelines, 2015. Collection method: clinical testing. Allele origin: germline.

ARUP Laboratories, Molecular Genetics and Genomics, ARUP Laboratories
Classification: Benign for Hereditary spherocytosis type 1. Last evaluated: 2024-10-02. Review status: criteria provided, single submitter. Criteria: ARUP Molecular Germline Variant Investigation Process 2024. Collection method: clinical testing. Allele origin: germline.

Mendelics
Classification: Likely benign for Hereditary spherocytosis type 1. Last evaluated: 2019-05-28. Review status: criteria provided, single submitter. Criteria: Mendelics Assertion Criteria 2017. Collection method: clinical testing. Allele origin: unknown.

Laboratory for Molecular Medicine, Mass General Brigham Personalized Medicine
Classification: Likely benign. Last evaluated: 2016-03-28. Review status: criteria provided, single submitter. Criteria: LMM Criteria. Collection method: clinical testing. Allele origin: germline.
Comment: Variant identified in a genome or exome case(s) and assessed due to predicted null impact of the variant or pathogenic assertions in the literature or databases. Disclaimer: This variant has not undergone full assessment. The following are preliminary notes: Frequency in ESP (all): 86/13006=0.6%

PreventionGenetics, part of Exact Sciences
Classification: Benign. Review status: criteria provided, single submitter. Criteria: ACMG Guidelines, 2015. Collection method: clinical testing. Allele origin: germline.

NM_000037.4(ANK1):c.5544+91C>T

Gene: ANK1 (ankyrin 1; minus strand). Cytogenetic location: 8p11.21.
Variant type: single nucleotide variant.
Coding change: c.5544+91C>T on transcript NM_000037.4 (MANE Select); 91 bases into the intron after coding-DNA position 5544, C replaced by T.
Molecular consequence: intron variant.
Genome position (GRCh38, 1-based): chr8:41,661,785, G>A on the plus strand (C>T on the coding strand, the complement: ANK1 is on the minus strand). VCF-style: chr8-41661785-G-A. GRCh37 (hg19) VCF-style: chr8-41519303-G-A.
Other names: p.?; c.5667+91C>T (NM_001142446.2); c.5133+16C>T (NM_020477.3); c.5544+91C>T (NM_020475.3); c.5619+16C>T (NM_020476.3); c.303+1874C>T (NM_020480.5); c.369+91C>T (NM_020478.5); c.444+16C>T (NM_001142445.2).
Identifiers: ClinVar variation 261318 (VCV000261318.52), dbSNP rs72638959, ClinGen allele CA4727116.